The following is an entry in ClinVar:

NM_022124.6(CDH23):c.2864G>T (p.Arg955Leu)

Gene: CDH23 (cadherin related 23; plus strand). Cytogenetic location: 10q22.1.
Variant type: single nucleotide variant.
Coding change: c.2864G>T on transcript NM_022124.6 (MANE Select); coding-DNA position 2864, G replaced by T.
Protein change: p.Arg955Leu; replaces arginine 955 with leucine.
Molecular consequence: missense variant.
Genome position (GRCh38, 1-based): chr10:71,705,041, G>T. VCF-style: chr10-71705041-G-T. GRCh37 (hg19) VCF-style: chr10-73464798-G-T.
Other names: c.2864G>T, p.Arg955Leu (NM_001171930.2, NM_001171931.2); short protein forms R955L.
Identifiers: ClinVar variation 1980802 (VCV001980802.1), dbSNP rs758293939, ClinGen allele CA5544360.

ClinVar aggregate classification (germline): Uncertain significance. Review status: criteria provided, multiple submitters, no conflicts (2 of 4 stars). 2 submissions from 2 submitters: Uncertain significance (2). Last evaluated 2022-11-21.

Conditions:
Usher syndrome type 1D (USH1D). Also called: USHER SYNDROME, TYPE ID. Identifiers: Orphanet 231169, Orphanet 886, MedGen C1832845, MONDO:0010984, OMIM 601067.

gnomAD v4.1: 11 of 1,612,546 alleles (0.00068%); highest among the groups gnomAD compares: Middle Eastern, 0.033%; no homozygotes.

Submissions (2):

MVZ Martinsried, Medicover Genetics
Classification: Uncertain significance for Usher syndrome type 1D. Last evaluated: 2022-11-21. Review status: criteria provided, single submitter. Criteria: ACGS Guidelines, 2020. Collection method: clinical testing. Allele origin: inherited. Affected: yes.

Labcorp Genetics (formerly Invitae), Labcorp
Classification: Uncertain significance. Last evaluated: 2022-05-09. Review status: criteria provided, single submitter. Criteria: Invitae Variant Classification Sherloc (09022015). Collection method: clinical testing. Allele origin: germline.
Comment: This sequence change replaces arginine, which is basic and polar, with leucine, which is neutral and non-polar, at codon 955 of the CDH23 protein (p.Arg955Leu). This variant is present in population databases (rs758293939, gnomAD 0.003%). This variant has not been reported in the literature in individuals affected with CDH23-related conditions. Algorithms developed to predict the effect of missense changes on protein structure and function are either unavailable or do not agree on the potential impact of this missense change (SIFT: "Deleterious"; PolyPhen-2: "Not Available"; Align-GVGD: "Class C65"). In summary, the available evidence is currently insufficient to determine the role of this variant in disease. Therefore, it has been classified as a Variant of Uncertain Significance.